The following is an entry in ClinVar:

ClinVar aggregate classification (germline): Uncertain significance (1 of 4 stars; one submission).

Conditions:
Episodic ataxia type 2 (EA2). Also called: ATAXIA, EPISODIC, WITH NYSTAGMUS; ATAXIA, FAMILIAL PAROXYSMAL; CEREBELLAR ATAXIA, PAROXYSMAL, ACETAZOLAMIDE-RESPONSIVE; CEREBELLOPATHY, HEREDITARY PAROXYSMAL; ACETAZOLAMIDE-RESPONSIVE HEREDITARY PAROXYSMAL CEREBELLAR ATAXIA; EPISODIC ATAXIA, NYSTAGMUS-ASSOCIATED. Identifiers: Orphanet 97, MedGen C1720416, MONDO:0007163, OMIM 108500.
Developmental and epileptic encephalopathy, 42 (DEE42A). Also called: Epileptic encephalopathy, early infantile, 42; DEVELOPMENTAL AND EPILEPTIC ENCEPHALOPATHY 42A; EPILEPTIC ENCEPHALOPATHY, EARLY INFANTILE, 42A. Identifiers: MedGen C4310716, MONDO:0014917, OMIM 617106.

Submission:

Labcorp Genetics (formerly Invitae), Labcorp
Classification: Uncertain significance for Developmental and epileptic encephalopathy, 42; Episodic ataxia type 2. Last evaluated: 2022-08-09. Review status: criteria provided, single submitter. Criteria: Invitae Variant Classification Sherloc (09022015). Collection method: clinical testing. Allele origin: germline.
Comment: In summary, the available evidence is currently insufficient to determine the role of this variant in disease. Therefore, it has been classified as a Variant of Uncertain Significance. Advanced modeling of protein sequence and biophysical properties (such as structural, functional, and spatial information, amino acid conservation, physicochemical variation, residue mobility, and thermodynamic stability) performed at Invitae indicates that this missense variant is expected to disrupt CACNA1A protein function. This variant has not been reported in the literature in individuals affected with CACNA1A-related conditions. This variant is not present in population databases (gnomAD no frequency). This sequence change replaces tyrosine, which is neutral and polar, with histidine, which is basic and polar, at codon 1694 of the CACNA1A protein (p.Tyr1694His).

NM_001127222.2(CACNA1A):c.5077T>C (p.Tyr1693His)

Gene: CACNA1A (calcium voltage-gated channel subunit alpha1 A; minus strand). Cytogenetic location: 19p13.13.
Variant type: single nucleotide variant.
Coding change: c.5077T>C on transcript NM_001127222.2 (MANE Select); coding-DNA position 5077, T replaced by C.
Protein change: p.Tyr1693His; replaces tyrosine 1693 with histidine.
Molecular consequence: missense variant.
Genome position (GRCh38, 1-based): chr19:13,235,265, A>G on the plus strand (T>C on the coding strand, the complement: CACNA1A is on the minus strand). VCF-style: chr19-13235265-A-G. GRCh37 (hg19) VCF-style: chr19-13346079-A-G.
Other names: c.5095T>C, p.Tyr1699His (NM_000068.4, NM_023035.3); c.5080T>C, p.Tyr1694His (NM_001127221.2); c.5086T>C, p.Tyr1696His (NM_001174080.2); short protein forms Y1694H, Y1699H, Y1696H, Y1693H.
Identifiers: ClinVar variation 2023255 (VCV002023255.4), dbSNP rs2512645860, ClinGen allele CA404335924.